The following is an entry in ClinVar:

ClinVar aggregate classification (germline): Uncertain significance. Review status: criteria provided, multiple submitters, no conflicts (2 of 4 stars). 2 submissions from 2 submitters: Uncertain significance (2). Last evaluated 2024-04-09.

Conditions:
Osteogenesis imperfecta type 8 (OI8). Identifiers: MedGen C1970458, MONDO:0012581, OMIM 610915.
Inborn genetic diseases. Identifiers: MedGen C0950123, MeSH D030342.

Allele frequency attached by ClinVar (database versions not stated): ExAC 0.00006; gnomAD exomes 0.00010 and 0.00017; gnomAD 0.00015 and 0.00017; TOPMed 0.00016; ESP Exome Variant Server 0.00023.
gnomAD v4.1: 267 of 1,613,990 alleles (0.017%); highest among the groups gnomAD compares: Admixed American, 0.033%; no homozygotes.

Submissions (2):

Ambry Genetics
Classification: Uncertain significance for Inborn genetic diseases. Last evaluated: 2024-04-09. Review status: criteria provided, single submitter. Criteria: Ambry Variant Classification Scheme 2023. Collection method: clinical testing. Allele origin: germline.

Labcorp Genetics (formerly Invitae), Labcorp
Classification: Uncertain significance for Osteogenesis imperfecta type 8. Last evaluated: 2022-08-23. Review status: criteria provided, single submitter. Criteria: Invitae Variant Classification Sherloc (09022015). Collection method: clinical testing. Allele origin: germline.
Comment: This sequence change replaces arginine, which is basic and polar, with tryptophan, which is neutral and slightly polar, at codon 447 of the P3H1 protein (p.Arg447Trp). This variant is present in population databases (rs150951532, gnomAD 0.01%). This variant has not been reported in the literature in individuals affected with P3H1-related conditions. ClinVar contains an entry for this variant (Variation ID: 468966). Algorithms developed to predict the effect of missense changes on protein structure and function are either unavailable or do not agree on the potential impact of this missense change (SIFT: "Deleterious"; PolyPhen-2: "Possibly Damaging"; Align-GVGD: "Class C0"). In summary, the available evidence is currently insufficient to determine the role of this variant in disease. Therefore, it has been classified as a Variant of Uncertain Significance.

NM_022356.4(P3H1):c.1339C>T (p.Arg447Trp)

Gene: P3H1 (prolyl 3-hydroxylase 1; minus strand). Cytogenetic location: 1p34.2.
Variant type: single nucleotide variant.
Coding change: c.1339C>T on transcript NM_022356.4 (MANE Select); coding-DNA position 1339, C replaced by T.
Protein change: p.Arg447Trp; replaces arginine 447 with tryptophan.
Molecular consequence: missense variant.
Genome position (GRCh38, 1-based): chr1:42,754,875, G>A on the plus strand (C>T on the coding strand, the complement: P3H1 is on the minus strand). VCF-style: chr1-42754875-G-A. GRCh37 (hg19) VCF-style: chr1-43220546-G-A.
Other names: c.1339C>T, p.Arg447Trp (NM_001146289.2, NM_001243246.2); short protein forms R447W.
Identifiers: ClinVar variation 468966 (VCV000468966.5), dbSNP rs150951532, ClinGen allele CA801882.
Genomic context (GRCh38, chr1:42,754,875, plus strand): 5'-ACCTGCCTGGCTCCCTGACAACAGCCAGACATGCCCCTATTTCTGTCCTCTCACCTTCCC[G>A]GGTCAGTCTGCTCACATCCAGTGACTCCTTGGTCTTCTCTTCCACAAGGGTCTCGATTTC-3'
Protein context (NP_071751.3, residues 437-457): KESLDVSRLT[Arg447Trp]EGGPLLYEGI